The following is an entry in ClinVar:

ClinVar aggregate classification (germline): Benign (1 of 4 stars; one submission).

Allele frequency attached by ClinVar (database versions not stated): gnomAD 0.03197 and 0.03358; TOPMed 0.03617; 1000 Genomes Project 0.07089; 1000 Genomes Project 30x 0.07245.
gnomAD v4.1: 5,073 of 152,242 alleles (3.3%); highest among the groups gnomAD compares: East Asian, 8.9%; 213 homozygotes.

Submission:

GeneDx
Classification: Benign. Last evaluated: 2018-06-19. Review status: criteria provided, single submitter. Criteria: GeneDx Variant Classification (06012015). Collection method: clinical testing. Allele origin: germline. Affected: yes.
Comment: This variant is considered likely benign or benign based on one or more of the following criteria: it is a conservative change, it occurs at a poorly conserved position in the protein, it is predicted to be benign by multiple in silico algorithms, and/or has population frequency not consistent with disease.

NM_016373.4(WWOX):c.791+228T>A

Gene: WWOX (WW domain containing oxidoreductase; plus strand). Cytogenetic location: 16q23.1.
Variant type: single nucleotide variant.
Coding change: c.791+228T>A on transcript NM_016373.4 (MANE Select); 228 bases into the intron after coding-DNA position 791, T replaced by A.
Molecular consequence: intron variant.
Genome position (GRCh38, 1-based): chr16:78,425,283, T>A. VCF-style: chr16-78425283-T-A. GRCh37 (hg19) VCF-style: chr16-78459180-T-A.
Other names: c.452+228T>A (NM_001291997.2).
Identifiers: ClinVar variation 674003 (VCV000674003.1), dbSNP rs78891306, ClinGen allele CA284540681.
Genomic context (GRCh38, chr16:78,425,283, plus strand): 5'-TGTGGGGGACTGTTTAGAAGGACTTTCTAGAGCAAGGAAGATTGTTTTTACGACTATACT[T>A]CAAGCTCCTCATTGATTTTGCTTAGAGATGGAATAATAATTGATGAAATCTGAATGGCAT-3'